The following is an entry in ClinVar:

ClinVar aggregate classification (germline): Uncertain significance (1 of 4 stars; one submission).

gnomAD v4.1: 117 of 1,555,172 alleles (0.0075%); highest among the groups gnomAD compares: Non-Finnish European, 0.0092%; no homozygotes.

Submission:

Labcorp Genetics (formerly Invitae), Labcorp
Classification: Uncertain significance. Last evaluated: 2025-04-26. Review status: criteria provided, single submitter. Criteria: Invitae Variant Classification Sherloc (09022015). Collection method: clinical testing. Allele origin: germline.
Comment: This sequence change replaces arginine, which is basic and polar, with histidine, which is basic and polar, at codon 1498 of the ADGRB2 protein (p.Arg1498His). This variant is present in population databases (rs372902157, gnomAD 0.008%). This variant has not been reported in the literature in individuals affected with ADGRB2-related conditions. An algorithm developed to predict the effect of missense changes on protein structure and function outputs the following: PolyPhen-2: "Benign". The histidine amino acid residue is found in multiple mammalian species, which suggests that this missense change does not adversely affect protein function. In summary, the available evidence is currently insufficient to determine the role of this variant in disease. Therefore, it has been classified as a Variant of Uncertain Significance.

NM_001364857.2(ADGRB2):c.4595G>A (p.Arg1532His)

Gene: ADGRB2 (adhesion G protein-coupled receptor B2; minus strand). Cytogenetic location: 1p35.2.
Variant type: single nucleotide variant.
Coding change: c.4595G>A on transcript NM_001364857.2 (MANE Select); coding-DNA position 4595, G replaced by A.
Protein change: p.Arg1532His; replaces arginine 1532 with histidine.
Molecular consequence: missense variant.
Genome position (GRCh38, 1-based): chr1:31,727,583, C>T on the plus strand (G>A on the coding strand, the complement: ADGRB2 is on the minus strand). VCF-style: chr1-31727583-C-T. GRCh37 (hg19) VCF-style: chr1-32193184-C-T.
Other names: c.4592G>A, p.Arg1531His (NM_001294335.2); c.4493G>A, p.Arg1498His (NM_001294336.2); short protein forms R1532H, R1531H, R1498H.
Identifiers: ClinVar variation 4695010 (VCV004695010.1).